The following is an entry in ClinVar:

ClinVar aggregate classification (germline): Pathogenic (3 of 4 stars; one submission).

Conditions:
RPGR-related retinopathy. Also called: RPGR retinopathy. Identifiers: MedGen CN305589, MONDO:0100437.

Submission:

ClinGen X-linked Inherited Retinal Disease Variant Curation Expert Panel, ClinGen
Classification: Pathogenic for RPGR-related retinopathy. Last evaluated: 2026-11-20. Review status: reviewed by expert panel. Criteria: ClinGen X LinkedIRD ACMG Specifications RPGR V1.0.0. Collection method: curation. Allele origin: germline. Inheritance: X-linked inheritance.
Comment: NM_001034853.2(RPGR):c.2402del (p.Thr801LysfsTer14) is a frameshift variant caused by a 1-nucleotide duplication, which introduces a premature stop codon in exon 15 of 15 that is predicted to disrupt a critical C-terminal region required for proper glutamylation of RPGR (PVS1, PMID: 36445968). This variant is absent from hemizygous individuals in gnomAD v4.1.0 (PM2_Supporting). At least one proband harboring this variant exhibits a phenotype including extinguished cone and rod electroretinogram responses, first decade onset (1 pt), decreased visual acuity (0.5 pts), and myopia (0.5 points), with genotyping by next-generation sequencing examining a panel of more than 400 genes and identifying no alternative basis for disease (2 pts), which together are specific for RPGR-related retinopathy (4 points, PMID: 39206744, PP4). In summary, this variant is classified as pathogenic for RPGR-related retinopathy based on the ClinGen X-linked Inherited Retinal Disease Expert Panel Specifications to the ACMG/AMP Variant Interpretation Guidelines for RPGR Version 1.0.0; PVS1, PM2_Supporting, and PP4.

NM_001034853.2(RPGR):c.2402del (p.Thr801fs)

Gene: RPGR (retinitis pigmentosa GTPase regulator; minus strand). Cytogenetic location: Xp11.4.
Variant type: Deletion.
Coding change: c.2402del on transcript NM_001034853.2 (MANE Select); coding-DNA position 2402, one base deleted (C; older notation c.2402delC).
Protein change: p.Thr801fs; shifts the reading frame from threonine 801.
Molecular consequence: frameshift variant. On other transcripts: intron variant (8).
Genome position (GRCh38, 1-based): chrX:38,286,597, G deleted on the plus strand (C on the coding strand, the reverse complement: RPGR is on the minus strand). VCF-style (leftmost placement, unchanged base first): chrX-38286596-TG-T. GRCh37 (hg19) VCF-style: chrX-38145849-TG-T.
Other names: NM_001034853.2:c.2402del; c.1569+4362del (NM_001367249.1, NM_001367250.1); c.1902+497del (NM_001367245.1); c.1386+4362del (NM_001367251.1); c.1719+497del (NM_001367246.1); c.1572+4362del (NM_001367247.1); c.1905+497del (NM_000328.3); c.1602+4362del (NM_001367248.1); short protein forms T801fs.
Identifiers: ClinVar variation 5043504 (VCV005043504.1).